The following is an entry in ClinVar:

NC_000019.10:g.45369069CT[2]

Gene: ERCC2 (ERCC excision repair 2, TFIIH core complex helicase subunit; minus strand). Cytogenetic location: 19q13.32.
Variant type: Microsatellite.
Genome position: GRCh38 VCF-style: chr19-45369068-ACT-A. GRCh37 (hg19) VCF-style: chr19-45872326-ACT-A.
Identifiers: ClinVar variation 2025036 (VCV002025036.5), dbSNP rs2514045500, ClinGen allele CA2580614937.

ClinVar aggregate classification (germline): Pathogenic (1 of 4 stars; one submission).

Submission:

Labcorp Genetics (formerly Invitae), Labcorp
Classification: Pathogenic. Last evaluated: 2024-10-24. Review status: criteria provided, single submitter. Criteria: Invitae Variant Classification Sherloc (09022015). Collection method: clinical testing. Allele origin: germline.
Comment: This sequence change creates a premature translational stop signal (p.Arg61Serfs*20) in the ERCC2 gene. It is expected to result in an absent or disrupted protein product. Loss-of-function variants in ERCC2 are known to be pathogenic (PMID: 9238033, 11335038, 19085937, 19934020). This variant is not present in population databases (gnomAD no frequency). This variant has not been reported in the literature in individuals affected with ERCC2-related conditions. This variant is also known as c.183_183+1del. Algorithms developed to predict the effect of sequence changes on RNA splicing suggest that this variant may disrupt the consensus splice site. For these reasons, this variant has been classified as Pathogenic.

Literature cited by the submitters: PubMed 9238033; PubMed 11335038; PubMed 19085937; PubMed 19934020.